The following is an entry in ClinVar:

NM_019594.4(LRRC8A):c.389T>C (p.Leu130Pro)

Gene: LRRC8A (leucine rich repeat containing 8 VRAC subunit A; plus strand). Cytogenetic location: 9q34.11.
Variant type: single nucleotide variant.
Coding change: c.389T>C on transcript NM_019594.4 (MANE Select); coding-DNA position 389, T replaced by C.
Protein change: p.Leu130Pro; replaces leucine 130 with proline.
Molecular consequence: missense variant.
Genome position (GRCh38, 1-based): chr9:128,907,553, T>C. VCF-style: chr9-128907553-T-C. GRCh37 (hg19) VCF-style: chr9-131669832-T-C.
Other names: c.389T>C, p.Leu130Pro (NM_001127244.2, NM_001127245.2); short protein forms L130P.
Identifiers: ClinVar variation 2811826 (VCV002811826.3), dbSNP rs2491864122, ClinGen allele CA375073916.

ClinVar aggregate classification (germline): Uncertain significance (1 of 4 stars; one submission).

Submission:

Labcorp Genetics (formerly Invitae), Labcorp
Classification: Uncertain significance. Last evaluated: 2026-01-11. Review status: criteria provided, single submitter. Criteria: Invitae Variant Classification Sherloc (09022015). Collection method: clinical testing. Allele origin: germline.
Comment: This sequence change replaces leucine, which is neutral and non-polar, with proline, which is neutral and non-polar, at codon 130 of the LRRC8A protein (p.Leu130Pro). This variant is not present in population databases (gnomAD no frequency). This variant has not been reported in the literature in individuals affected with LRRC8A-related conditions. ClinVar contains an entry for this variant (Variation ID: 2811826). An algorithm developed to predict the effect of missense changes on protein structure and function (PolyPhen-2) suggests that this variant is likely to be disruptive. In summary, the available evidence is currently insufficient to determine the role of this variant in disease. Therefore, it has been classified as a Variant of Uncertain Significance.